The following is an entry in ClinVar:

NM_000530.8(MPZ):c.410G>T (p.Gly137Val)

Gene: MPZ (myelin protein zero; minus strand). Cytogenetic location: 1q23.3.
Variant type: single nucleotide variant.
Coding change: c.410G>T on transcript NM_000530.8 (MANE Select); coding-DNA position 410, G replaced by T.
Protein change: p.Gly137Val; replaces glycine 137 with valine.
Molecular consequence: missense variant.
Genome position (GRCh38, 1-based): chr1:161,306,746, C>A on the plus strand (G>T on the coding strand, the complement: MPZ is on the minus strand). VCF-style: chr1-161306746-C-A. GRCh37 (hg19) VCF-style: chr1-161276536-C-A.
Other names: c.410G>T, p.Gly137Val (NM_001315491.2); c.410G>T (LRG_256t1); short protein forms G137V.
Identifiers: ClinVar variation 637793 (VCV000637793.3), dbSNP rs863225025, ClinGen allele CA343348569.

ClinVar aggregate classification (germline): Pathogenic/Likely pathogenic. Review status: criteria provided, multiple submitters, no conflicts (2 of 4 stars). 3 submissions from 3 submitters: Pathogenic (1); Likely pathogenic (1). 1 of the submissions does not count toward it. Last evaluated 2024-06-10.

Conditions:
Charcot-Marie-Tooth disease. Also called: Charcot-Marie-Tooth Hereditary Neuropathy; Charcot-Marie-Tooth Neuropathy. Identifiers: Orphanet 166, MedGen C0007959, MONDO:0015626.

Submissions (3):

GeneDx
Classification: Pathogenic. Last evaluated: 2024-06-10. Review status: criteria provided, single submitter. Criteria: GeneDx Variant Classification Process June 2021. Collection method: clinical testing. Allele origin: germline. Affected: yes.
Comment: Reported previously in a patient with bilateral pes cavus, pronounced distal muscle wasting, weakness, and areflexia, and abnormal nerve biopsy and electrophysiological testing (PMID: 25388615); Published functional studies demonstrate a damaging effect and suggests that this variant impacts intercellular adhesion (PMID: 25388615); Not observed at significant frequency in large population cohorts (gnomAD); Missense variants in this gene are a common cause of disease and they are underrepresented in the general population; In silico analysis supports that this missense variant has a deleterious effect on protein structure/function; This variant is associated with the following publications: (PMID: 27527004, 20461396, 26310628, 25388615)

Athena Diagnostics
Classification: Likely pathogenic. Last evaluated: 2022-08-30. Review status: criteria provided, single submitter. Criteria: Athena Diagnostics Criteria. Collection method: clinical testing. Allele origin: unknown.
Comment: This variant has been identified in at least one individual with clinical features of Charcot-Marie Tooth disease associated with this gene. This variant has not been reported in large, multi-ethnic general populations. In some published literature, this variant is referred to as p.Gly108Val. At least one other missense variant at this codon is considered to be pathogenic or likely pathogenic, suggesting this variant may also cause disease. Computational tools predict that this variant is damaging. The variant is located in a region that is considered important for protein function and/or structure.

Inherited Neuropathy Consortium
Classification: Uncertain significance for Charcot-Marie-Tooth disease. Review status: no assertion criteria provided. Collection method: literature only. Allele origin: germline. Affected: yes. Not counted in ClinVar's aggregate classification.

Literature cited by the submitters: PubMed 25388615 (cited by Athena Diagnostics and Inherited Neuropathy Consortium); PubMed 27527004 (cited by Athena Diagnostics).